The following is an entry in ClinVar:

NM_006734.4(HIVEP2):c.6797C>T (p.Ala2266Val)

Gene: HIVEP2 (HIVEP zinc finger 2; minus strand). Cytogenetic location: 6q24.2.
Variant type: single nucleotide variant.
Coding change: c.6797C>T on transcript NM_006734.4 (MANE Select); coding-DNA position 6797, C replaced by T.
Protein change: p.Ala2266Val; replaces alanine 2266 with valine.
Molecular consequence: missense variant.
Genome position (GRCh38, 1-based): chr6:142,753,651, G>A on the plus strand (C>T on the coding strand, the complement: HIVEP2 is on the minus strand). VCF-style: chr6-142753651-G-A. GRCh37 (hg19) VCF-style: chr6-143074788-G-A.
Other names: c.6797C>T (NM_006734.3); short protein forms A2266V.
Identifiers: ClinVar variation 3234350 (VCV003234350.23), dbSNP rs781421928, ClinGen allele CA4027630.

ClinVar aggregate classification (germline): Likely benign. Review status: criteria provided, multiple submitters, no conflicts (2 of 4 stars). 3 submissions from 3 submitters: Likely benign (3). Last evaluated 2025-07-15.

Conditions:
Inborn genetic diseases. Identifiers: MedGen C0950123, MeSH D030342.

Allele frequency attached by ClinVar (database versions not stated): TOPMed 0.00001; ExAC 0.00002; gnomAD exomes 0.00002; gnomAD 0.00003.
gnomAD v4.1: 30 of 1,614,028 alleles (0.0019%); highest among the groups gnomAD compares: South Asian, 0.014%; 1 homozygote.

Submissions (3):

Ambry Genetics
Classification: Likely benign for Inborn genetic diseases. Last evaluated: 2025-07-15. Review status: criteria provided, single submitter. Criteria: Ambry Variant Classification Scheme 2023. Collection method: clinical testing. Allele origin: germline.

CeGaT Center for Human Genetics Tuebingen
Classification: Likely benign. Last evaluated: 2025-03-01. Review status: criteria provided, single submitter. Criteria: CeGaT Center For Human Genetics Tuebingen Variant Classification Criteria Version 2. Collection method: clinical testing. Allele origin: germline. Affected: yes. Observed: 2 variant alleles.
Comment: HIVEP2: BP4, BS2

Labcorp Genetics (formerly Invitae), Labcorp
Classification: Likely benign. Last evaluated: 2024-12-28. Review status: criteria provided, single submitter. Criteria: Invitae Variant Classification Sherloc (09022015). Collection method: clinical testing. Allele origin: germline.